The following is an entry in ClinVar:

NM_005559.4(LAMA1):c.5623G>A (p.Ala1875Thr)

Gene: LAMA1 (laminin subunit alpha 1; minus strand). Cytogenetic location: 18p11.31.
Variant type: single nucleotide variant.
Coding change: c.5623G>A on transcript NM_005559.4 (MANE Select); coding-DNA position 5623, G replaced by A.
Protein change: p.Ala1875Thr; replaces alanine 1875 with threonine.
Molecular consequence: missense variant.
Genome position (GRCh38, 1-based): chr18:6,985,274, C>T on the plus strand (G>A on the coding strand, the complement: LAMA1 is on the minus strand). VCF-style: chr18-6985274-C-T. GRCh37 (hg19) VCF-style: chr18-6985273-C-T.
Other names: short protein forms A1875T.
Identifiers: ClinVar variation 5037638 (VCV005037638.1).

ClinVar aggregate classification (germline): Uncertain significance (1 of 4 stars; one submission).

Submission:

GeneDx
Classification: Uncertain significance. Last evaluated: 2026-04-24. Review status: criteria provided, single submitter. Criteria: GeneDx Variant Classification Process June 2021. Collection method: clinical testing. Allele origin: germline.
Comment: Not observed at significant frequency in large population cohorts (gnomAD); In silico analysis supports that this missense variant has a deleterious effect on protein structure/function; Has not been previously published as pathogenic or benign to our knowledge